The following is an entry in ClinVar:

NM_001267550.2(TTN):c.61992C>G (p.Asn20664Lys)

Genes: TTN (titin; minus strand), TTN-AS1 (TTN antisense RNA 1; plus strand). Cytogenetic location: 2q31.2.
Variant type: single nucleotide variant.
Coding change: c.61992C>G on transcript NM_001267550.2 (MANE Select); coding-DNA position 61992, C replaced by G.
Protein change: p.Asn20664Lys; replaces asparagine 20664 with lysine.
Molecular consequence: missense variant.
Genome position (GRCh38, 1-based): chr2:178,589,733, G>C on the plus strand (C>G on the coding strand, the complement: TTN is on the minus strand). VCF-style: chr2-178589733-G-C. GRCh37 (hg19) VCF-style: chr2-179454460-G-C.
Other names: c.61992C>G (NM_001267550.1); c.54288C>G, p.Asn18096Lys (NM_133378.4); c.57069C>G, p.Asn19023Lys (NM_001256850.1); c.34797C>G, p.Asn11599Lys (NM_003319.4); c.35172C>G, p.Asn11724Lys (NM_133432.3); c.35373C>G, p.Asn11791Lys (NM_133437.4); short protein forms N18096K, N20664K, N11724K, N11791K, N19023K, N11599K.
Identifiers: ClinVar variation 179045 (VCV000179045.11), dbSNP rs376455983, ClinGen allele CA183604.
Genomic context (GRCh38, chr2:178,589,733, plus strand): 5'-AAATGTCTTTCCTTTATCTGCAATGTGAAGGTTTTCAGGCTCACCTGGTCTGTCAATAGG[G>C]TTAATAGCCAGAATGGGAGTTTTTGTTTCGATGGTTGGCCCAACACCTACTTTATTCTCT-3'
Protein context (NP_001254479.2, residues 20654-20674): IETKTPILAI[Asn20664Lys]PIDRPGEPEN

ClinVar aggregate classification (germline): Conflicting classifications of pathogenicity. Review status: criteria provided, conflicting classifications (1 of 4 stars). 5 submissions from 5 submitters: Uncertain significance (4); Likely benign (1). Last evaluated 2025-07-05.

Conditions:
TTN-related disorder. Also called: TTN-related condition; TTN-related disease; TTN-related disorders.
Dilated cardiomyopathy 1G (CMD1G). Identifiers: Orphanet 154, MedGen C1858763, MONDO:0011400, OMIM 604145.
Autosomal recessive limb-girdle muscular dystrophy type 2J (LGMDR10). Also called: Limb-girdle muscular dystrophy, type 2J; MUSCULAR DYSTROPHY, LIMB-GIRDLE, AUTOSOMAL RECESSIVE 10. Identifiers: Orphanet 140922, MedGen C1837342, MONDO:0012127, OMIM 608807.
Cardiovascular phenotype. Identifiers: MedGen CN230736.

Allele frequency attached by ClinVar (database versions not stated): ESP Exome Variant Server 0.00017; gnomAD 0.00005; TOPMed 0.00006.
gnomAD v4.1: 82 of 1,613,436 alleles (0.0051%); highest among the groups gnomAD compares: Non-Finnish European, 0.0064%; no homozygotes.

Submissions (5):

PreventionGenetics, part of Exact Sciences
Classification: Uncertain significance for TTN-related condition. Last evaluated: 2025-07-05. Review status: criteria provided, single submitter. Criteria: ACMG Guidelines, 2015. Collection method: clinical testing. Allele origin: germline.
Comment: The TTN c.61992C>G variant is predicted to result in the amino acid substitution p.Asn20664Lys. This variant has been reported in an individual with dilated cardiomyopathy (referred to as c.54288C>G, p.Asn18096Lys in the alternate transcript NM_133378, Supplemental Table 2 in Burstein et al. 2021. PubMed ID: 32746448). This variant is reported in 0.0055% of alleles in individuals of European (Non-Finnish) descent in gnomAD. At this time, the clinical significance of this variant is uncertain due to the absence of conclusive functional and genetic evidence.

Ambry Genetics
Classification: Uncertain significance for Cardiovascular phenotype. Last evaluated: 2020-09-11. Review status: criteria provided, single submitter. Criteria: Ambry Variant Classification Scheme 2023. Collection method: clinical testing. Allele origin: germline.
Comment: The p.N11599K variant (also known as c.34797C>G), located in coding exon 131 of the TTN gene, results from a C to G substitution at nucleotide position 34797. The asparagine at codon 11599 is replaced by lysine, an amino acid with similar properties. This amino acid position is poorly conserved in available vertebrate species. In addition, this alteration is predicted to be tolerated by in silico analysis. Since supporting evidence is limited at this time, the clinical significance of this alteration remains unclear.

GeneDx
Classification: Likely benign. Last evaluated: 2019-06-26. Review status: criteria provided, single submitter. Criteria: GeneDx Variant Classification Process June 2021. Collection method: clinical testing. Allele origin: germline. Affected: yes.
Comment: See Variant Classification Assertion Criteria.

Labcorp Genetics (formerly Invitae), Labcorp
Classification: Uncertain significance for Dilated cardiomyopathy 1G; Autosomal recessive limb-girdle muscular dystrophy type 2J. Last evaluated: 2018-05-06. Review status: criteria provided, single submitter. Criteria: Invitae Variant Classification Sherloc (09022015). Collection method: clinical testing. Allele origin: germline.
Comment: This sequence change replaces asparagine with lysine at codon 20664 of the TTN protein (p.Asn20664Lys). There is a moderate physicochemical difference between asparagine and lysine. This variant is present in population databases (rs376455983, ExAC 0.004%). This variant has not been reported in the literature in individuals with TTN-related disease. ClinVar contains an entry for this variant (Variation ID: 179045). This variant is located in the A band of TTN (PMID: 25589632). Variants in this region may be relevant for cardiac or neuromuscular disorders (PMID: 25589632, 23975875). Algorithms developed to predict the effect of missense changes on protein structure and function are unavailable for the TTN gene. Algorithms developed to predict the effect of sequence changes on RNA splicing suggest that this variant may create or strengthen a splice site, but this prediction has not been confirmed by published transcriptional studies. In summary, the available evidence is currently insufficient to determine the role of this variant in disease. Therefore, it has been classified as a Variant of Uncertain Significance.

Laboratory for Molecular Medicine, Mass General Brigham Personalized Medicine
Classification: Uncertain significance. Last evaluated: 2013-11-14. Review status: criteria provided, single submitter. Criteria: LMM Criteria. Collection method: clinical testing. Allele origin: germline. Observed: 2 variant alleles.
Comment: The Asn18096Lys variant in TTN has not been previously reported in individuals w ith cardiomyopathy, but has been identified in 2/8212 European American chromoso mes by the NHLBI Exome Sequencing Project (dbSNP r s376455983). Computational analyses (amino acid biochemical properties, conserv ation, PolyPhen-2, AlignGVGD, SIFT) do not provide strong evidence for or agains t an impact to the protein. Additional information is needed to fully assess the clinical significance of the Asn18096Lys variant.

Literature cited by the submitters: PubMed 25589632 (cited by Labcorp Genetics (formerly Invitae), Labcorp); PubMed 23975875 (cited by Labcorp Genetics (formerly Invitae), Labcorp).